The following is an entry in ClinVar:

NM_001355436.2(SPTB):c.6498C>T (p.Pro2166=)

Gene: SPTB (spectrin beta, erythrocytic; minus strand). Cytogenetic location: 14q23.3.
Variant type: single nucleotide variant.
Coding change: c.6498C>T on transcript NM_001355436.2 (MANE Select); coding-DNA position 6498, C replaced by T.
Protein change: p.Pro2166=; no amino-acid change (proline 2166 retained).
Molecular consequence: synonymous variant.
Genome position (GRCh38, 1-based): chr14:64,753,641, G>A on the plus strand (C>T on the coding strand, the complement: SPTB is on the minus strand). VCF-style: chr14-64753641-G-A. GRCh37 (hg19) VCF-style: chr14-65220359-G-A.
Other names: c.6498C>T, p.Pro2166= (NM_001024858.4).
Identifiers: ClinVar variation 3058596 (VCV003058596.3), dbSNP rs748814015, ClinGen allele CA7229547.

ClinVar aggregate classification (germline): Likely benign. Review status: criteria provided, single submitter (1 of 4 stars). 2 submissions from 2 submitters: Likely benign (1). 1 of the submissions does not count toward it. Last evaluated 2024-01-16.

Conditions:
SPTB-related disorder. Also called: SPTB-Related Disorders; SPTB-related condition.

gnomAD v4.1: 28 of 1,613,512 alleles (0.0017%); highest among the groups gnomAD compares: East Asian, 0.0089%; no homozygotes.

Submissions (2):

Blueprint Genetics
Classification: Likely benign. Last evaluated: 2024-01-16. Review status: criteria provided, single submitter. Criteria: ACMG Guidelines, 2015. Collection method: clinical testing. Allele origin: germline.

PreventionGenetics, part of Exact Sciences
Classification: Likely benign for SPTB-related condition. Last evaluated: 2019-03-04. Review status: no assertion criteria provided. Collection method: clinical testing. Allele origin: germline. Not counted in ClinVar's aggregate classification.
Comment: This variant is classified as likely benign based on ACMG/AMP sequence variant interpretation guidelines (Richards et al. 2015 PMID: 25741868, with internal and published modifications).